The following is an entry in ClinVar:

NM_001077350.3(NPRL3):c.44del (p.Ser15fs)

Genes: HBA-LCR (alpha-globin locus control region; plus strand), NPRL3 (NPR3 like, GATOR1 complex subunit; minus strand). Cytogenetic location: 16p13.3.
Variant type: Deletion.
Coding change: c.44del on transcript NM_001077350.3 (MANE Select); coding-DNA position 44, one base deleted (C; older notation c.44delC).
Protein change: p.Ser15fs; shifts the reading frame from serine 15.
Molecular consequence: frameshift variant. On other transcripts: 5 prime UTR variant (2).
Genome position (GRCh38, 1-based): chr16:138,224, G deleted on the plus strand (C on the coding strand, the reverse complement: NPRL3 is on the minus strand). VCF-style (leftmost placement, unchanged base first): chr16-138223-CG-C. GRCh37 (hg19) VCF-style: chr16-188222-CG-C.
Other names: c.-289del (NM_001039476.3); c.-328del (NM_001243247.2); c.44del, p.Ser15fs (NM_001243248.2, NM_001243249.2); short protein forms S15fs.
Identifiers: ClinVar variation 949866 (VCV000949866.7), dbSNP rs1901211202, ClinGen allele CA1139664209.

ClinVar aggregate classification (germline): Pathogenic (1 of 4 stars; one submission).

Conditions:
Epilepsy, familial focal, with variable foci 3 (FFEVF3). Identifiers: MedGen C4310708, MONDO:0014925, OMIM 617118.

Submission:

Labcorp Genetics (formerly Invitae), Labcorp
Classification: Pathogenic for Epilepsy, familial focal, with variable foci 3. Last evaluated: 2019-08-14. Review status: criteria provided, single submitter. Criteria: Invitae Variant Classification Sherloc (09022015). Collection method: clinical testing. Allele origin: germline.
Comment: For these reasons, this variant has been classified as Pathogenic. Loss-of-function variants in NPRL3 are known to be pathogenic (PMID: 26285051, 26505888). This variant is not present in population databases (ExAC no frequency). This variant has not been reported in the literature in individuals with NPRL3-related conditions. This sequence change creates a premature translational stop signal (p.Ser15Trpfs*72) in the NPRL3 gene. It is expected to result in an absent or disrupted protein product.

Literature cited by the submitters: PubMed 26285051; PubMed 26505888.